The following is an entry in ClinVar:

NM_032217.5(ANKRD17):c.6152A>G (p.Gln2051Arg)

Gene: ANKRD17 (ankyrin repeat domain 17; minus strand). Cytogenetic location: 4q13.3.
Variant type: single nucleotide variant.
Coding change: c.6152A>G on transcript NM_032217.5 (MANE Select); coding-DNA position 6152, A replaced by G.
Protein change: p.Gln2051Arg; replaces glutamine 2051 with arginine.
Molecular consequence: missense variant.
Genome position (GRCh38, 1-based): chr4:73,091,476, T>C on the plus strand (A>G on the coding strand, the complement: ANKRD17 is on the minus strand). VCF-style: chr4-73091476-T-C. GRCh37 (hg19) VCF-style: chr4-73957193-T-C.
Other names: c.5813A>G, p.Gln1938Arg (NM_001286771.3); c.6149A>G, p.Gln2050Arg (NM_015574.2); c.5399A>G, p.Gln1800Arg (NM_198889.3); short protein forms Q1800R, Q1938R, Q2050R, Q2051R.
Identifiers: ClinVar variation 3252455 (VCV003252455.1), dbSNP rs2530169428.
Genomic context (GRCh38, chr4:73,091,476, plus strand): 5'-ACTTTATTTGGAGATGCTGATCCACAATCCAAAGGGCTGTTTCTAGAAACCCCTCCTGGC[T>C]GGGCTGGTGGTGATGGGGAAGATGGGGATGATACTGGATAGTGTTCTTTGGCAGTAGGCA-3'
Protein context (NP_115593.3, residues 2041-2061): SSPSSPSPPA[Gln2051Arg]PGGVSRNSPL

ClinVar aggregate classification (germline): Uncertain significance (1 of 4 stars; one submission).

Allele frequency attached by ClinVar (database versions not stated): gnomAD exomes below 0.00001.
gnomAD v4.1: 1 of 1,614,158 alleles (0.000062%); highest among the groups gnomAD compares: Non-Finnish European, 0.000085%; no homozygotes.

Submission:

GeneDx
Classification: Uncertain significance. Last evaluated: 2023-10-02. Review status: criteria provided, single submitter. Criteria: GeneDx Variant Classification Process June 2021. Collection method: clinical testing. Allele origin: germline. Affected: yes.
Comment: Not observed at significant frequency in large population cohorts (gnomAD); In silico analysis supports that this missense variant does not alter protein structure/function; Has not been previously published as pathogenic or benign to our knowledge